The following is an entry in ClinVar:

ClinVar aggregate classification (germline): Uncertain significance (1 of 4 stars; one submission).

Submission:

GeneDx
Classification: Uncertain significance. Last evaluated: 2019-04-04. Review status: criteria provided, single submitter. Criteria: GeneDx Variant Classification Process June 2021. Collection method: clinical testing. Allele origin: germline. Affected: yes.
Comment: Not observed in large population cohorts (Lek et al., 2016); In silico analysis, which includes protein predictors and evolutionary conservation, supports a deleterious effect; Has not been previously published as pathogenic or benign to our knowledge

NM_001134407.3(GRIN2A):c.272C>G (p.Ser91Cys)

Gene: GRIN2A (glutamate ionotropic receptor NMDA type subunit 2A; minus strand). Cytogenetic location: 16p13.2.
Variant type: single nucleotide variant.
Coding change: c.272C>G on transcript NM_001134407.3 (MANE Select); coding-DNA position 272, C replaced by G.
Protein change: p.Ser91Cys; replaces serine 91 with cysteine.
Molecular consequence: missense variant.
Genome position (GRCh38, 1-based): chr16:10,180,140, G>C on the plus strand (C>G on the coding strand, the complement: GRIN2A is on the minus strand). VCF-style: chr16-10180140-G-C. GRCh37 (hg19) VCF-style: chr16-10273997-G-C.
Other names: c.272C>G, p.Ser91Cys (NM_000833.5, NM_001134408.2); short protein forms S91C.
Identifiers: ClinVar variation 1308540 (VCV001308540.2), dbSNP rs2142389130, ClinGen allele CA394715373.
Genomic context (GRCh38, chr16:10,180,140, plus strand): 5'-TGGGCTACGGCCTCCTGGTCCGTGTCGTCCCCAAACACGAGGCCGTGGATGCGTGCCCCG[G>C]ACATGAGGTCGCACACGTGCGTGATGAGGCTCTTGGGGTCGGTGCGGTTCATCAGCAGAG-3'
Protein context (NP_001127879.1, residues 81-101): SLITHVCDLM[Ser91Cys]GARIHGLVFG